The following is an entry in ClinVar:

NM_012203.2(GRHPR):c.806A>G (p.Asp269Gly)

Gene: GRHPR (glyoxylate and hydroxypyruvate reductase; plus strand). Cytogenetic location: 9p13.2.
Variant type: single nucleotide variant.
Coding change: c.806A>G on transcript NM_012203.2 (MANE Select); coding-DNA position 806, A replaced by G.
Protein change: p.Asp269Gly; replaces aspartic acid 269 with glycine.
Molecular consequence: missense variant.
Genome position (GRCh38, 1-based): chr9:37,432,079, A>G. VCF-style: chr9-37432079-A-G. GRCh37 (hg19) VCF-style: chr9-37432076-A-G.
Other names: short protein forms D269G.
Identifiers: ClinVar variation 2671864 (VCV002671864.2), dbSNP rs369698939, ClinGen allele CA192894360.

ClinVar aggregate classification (germline): Likely pathogenic. Review status: criteria provided, multiple submitters, no conflicts (2 of 4 stars). 2 submissions from 2 submitters: Likely pathogenic (2). Last evaluated 2024-05-08.

Conditions:
Primary hyperoxaluria, type II (HP2). Also called: OXALOSIS II; Primary hyperoxaluria type 2; D-GLYCERATE DEHYDROGENASE DEFICIENCY; GLYCERIC ACIDURIA; GLYOXYLATE REDUCTASE/HYDROXYPYRUVATE REDUCTASE DEFICIENCY. Identifiers: Orphanet 416, Orphanet 93599, MedGen C0268165, MONDO:0009824, OMIM 260000. Disease mechanism: loss of function.

Allele frequency attached by ClinVar (database versions not stated): gnomAD 0.00001; gnomAD exomes 0.00001; TOPMed 0.00001; ESP Exome Variant Server 0.00008.
gnomAD v4.1: 7 of 1,613,832 alleles (0.00043%); highest among the groups gnomAD compares: Non-Finnish European, 0.00059%; no homozygotes.

Submissions (2):

Fulgent Genetics
Classification: Likely pathogenic for Primary hyperoxaluria, type II. Last evaluated: 2024-05-08. Review status: criteria provided, single submitter. Criteria: ACMG Guidelines, 2015. Collection method: clinical testing. Allele origin: germline.

Thalassemia Center, San Luigi University Hospital
Classification: Likely pathogenic for Primary hyperoxaluria, type II. Last evaluated: 2023-10-27. Review status: criteria provided, single submitter. Criteria: ACMG Guidelines, 2015. Collection method: clinical testing. Allele origin: germline. Affected: yes.
Comment: ACMG:PM1 PM2 PM7 PP3 PP4

Literature cited by the submitters: PubMed 25644115 (cited by Thalassemia Center, San Luigi University Hospital).